The following is an entry in ClinVar:

ClinVar aggregate classification (germline): Likely pathogenic (1 of 4 stars; one submission).

Conditions:
LAMA2-related muscular dystrophy (LAMA2-RD). Also called: Laminin alpha 2-related dystrophy. Identifiers: MedGen C5679788, MONDO:0100228.

Submission:

Myriad Genetics, Inc.
Classification: Likely pathogenic for LAMA2-related muscular dystrophy. Last evaluated: 2022-01-02. Review status: criteria provided, single submitter. Criteria: Myriad Autosomal Dominant, Autosomal Recessive and X-Linked Classification Criteria (2023). Collection method: clinical testing. Allele origin: unknown.
Comment: NM_000426.3(LAMA2):c.7976delA(K2659Sfs*69) is expected to be pathogenic in the context of muscular dystrophy, LAMA2-related. This variant is predicted to lead to an abnormal or absent protein product due to the creation of a premature termination codon in LAMA2, a gene where loss-of-function variants are known to be pathogenic. Please note: this variant was assessed in the context of healthy population screening.

NM_000426.4(LAMA2):c.7976del (p.Lys2659fs)

Gene: LAMA2 (laminin subunit alpha 2; plus strand). Cytogenetic location: 6q22.33.
Variant type: Deletion.
Coding change: c.7976del on transcript NM_000426.4 (MANE Select); coding-DNA position 7976, one base deleted (A; older notation c.7976delA).
Protein change: p.Lys2659fs; shifts the reading frame from lysine 2659.
Molecular consequence: frameshift variant.
Genome position (GRCh38, 1-based): chr6:129,491,978, A deleted; the last of 5 consecutive A bases (chr6:129,491,974-129,491,978); deleting any one gives the same sequence. VCF-style (leftmost placement, unchanged base first): chr6-129491973-TA-T. GRCh37 (hg19) VCF-style: chr6-129813118-TA-T.
Other names: c.7964del, p.Lys2655fs (NM_001079823.2); short protein forms K2655fs, K2659fs.
Identifiers: ClinVar variation 1726793 (VCV001726793.3), dbSNP rs1330890210, ClinGen allele CA2580074989.
Genomic context (GRCh38, chr6:129,491,973, plus strand): 5'-TCAAGTGGATGAAAACAGAAGATACATGCAAAACCTGACAGTTGAACAGCCTATCGAAGT[TA>T]AAAAGCTTTTCGTTGGGGGTGCTCCACCTGAATTTCAACCTTCCCCACTCAGAAATATTC-3'